The following is an entry in ClinVar:

ClinVar aggregate classification (germline): Uncertain significance (1 of 4 stars; one submission).

Submission:

Labcorp Genetics (formerly Invitae), Labcorp
Classification: Uncertain significance. Last evaluated: 2024-02-20. Review status: criteria provided, single submitter. Criteria: Invitae Variant Classification Sherloc (09022015). Collection method: clinical testing. Allele origin: germline.
Comment: This sequence change replaces proline, which is neutral and non-polar, with arginine, which is basic and polar, at codon 210 of the COL9A2 protein (p.Pro210Arg). This variant is not present in population databases (gnomAD no frequency). This variant has not been reported in the literature in individuals affected with COL9A2-related conditions. An algorithm developed to predict the effect of missense changes on protein structure and function (PolyPhen-2) suggests that this variant is likely to be disruptive. In summary, the available evidence is currently insufficient to determine the role of this variant in disease. Therefore, it has been classified as a Variant of Uncertain Significance.

NM_001852.4(COL9A2):c.629C>G (p.Pro210Arg)

Gene: COL9A2 (collagen type IX alpha 2 chain; minus strand). Cytogenetic location: 1p34.2.
Variant type: single nucleotide variant.
Coding change: c.629C>G on transcript NM_001852.4 (MANE Select); coding-DNA position 629, C replaced by G.
Protein change: p.Pro210Arg; replaces proline 210 with arginine.
Molecular consequence: missense variant.
Genome position (GRCh38, 1-based): chr1:40,311,094, G>C on the plus strand (C>G on the coding strand, the complement: COL9A2 is on the minus strand). VCF-style: chr1-40311094-G-C. GRCh37 (hg19) VCF-style: chr1-40776766-G-C.
Other names: short protein forms P210R.
Identifiers: ClinVar variation 2708800 (VCV002708800.3), dbSNP rs199831035, ClinGen allele CA339855722.